The following is an entry in ClinVar:

NM_001065.4(TNFRSF1A):c.987C>T (p.Leu329=)

Gene: TNFRSF1A (TNF receptor superfamily member 1A; minus strand). Cytogenetic location: 12p13.31.
Variant type: single nucleotide variant.
Coding change: c.987C>T on transcript NM_001065.4 (MANE Select); coding-DNA position 987, C replaced by T.
Protein change: p.Leu329=; no amino-acid change (leucine 329 retained).
Molecular consequence: synonymous variant. On other transcripts: non-coding transcript variant (1).
Genome position (GRCh38, 1-based): chr12:6,329,848, G>A on the plus strand (C>T on the coding strand, the complement: TNFRSF1A is on the minus strand). VCF-style: chr12-6329848-G-A. GRCh37 (hg19) VCF-style: chr12-6439014-G-A.
Other names: c.663C>T, p.Leu221= (NM_001346091.2); c.528C>T, p.Leu176= (NM_001346092.2).
Identifiers: ClinVar variation 245672 (VCV000245672.16), dbSNP rs138261783, ClinGen allele CA6405314.

ClinVar aggregate classification (germline): Benign/Likely benign. Review status: criteria provided, multiple submitters, no conflicts (2 of 4 stars). 5 submissions from 5 submitters: Benign (2); Likely benign (2). 1 of the submissions does not count toward it. Last evaluated 2026-01-06.

Conditions:
TNFRSF1A-related disorder. Also called: TNFRSF1A-related condition.
TNF receptor-associated periodic fever syndrome (TRAPS) (FPF). Also called: TNF receptor 1-associated periodic fever syndrome; FAMILIAL HIBERNIAN FEVER; TNF RECEPTOR-ASSOCIATED PERIODIC SYNDROME; TUMOR NECROSIS FACTOR RECEPTOR-ASSOCIATED PERIODIC SYNDROME; Autosomal Dominant Familial Periodic Fever; TNF Receptor-Associated Periodic Fever Syndrome. Identifiers: Orphanet 32960, MedGen C1275126, MONDO:0007727, OMIM 142680.

Allele frequency attached by ClinVar (database versions not stated): gnomAD exomes 0.00003 and 0.00010; ExAC 0.00024; TOPMed 0.00039; 1000 Genomes Project 0.00040; gnomAD 0.00044 and 0.00047; 1000 Genomes Project 30x 0.00047; ESP Exome Variant Server 0.00062.
gnomAD v4.1: 105 of 1,601,856 alleles (0.0066%); highest among the groups gnomAD compares: African/African-American, 0.14%; no homozygotes.

Submissions (5):

Labcorp Genetics (formerly Invitae), Labcorp
Classification: Benign for TNF receptor-associated periodic fever syndrome (TRAPS). Last evaluated: 2026-01-06. Review status: criteria provided, single submitter. Criteria: Invitae Variant Classification Sherloc (09022015). Collection method: clinical testing. Allele origin: germline.

Blueprint Genetics
Classification: Likely benign. Last evaluated: 2024-06-24. Review status: criteria provided, single submitter. Criteria: ACMG Guidelines, 2015. Collection method: clinical testing. Allele origin: germline.

ARUP Laboratories, Molecular Genetics and Genomics, ARUP Laboratories
Classification: Likely benign. Last evaluated: 2023-11-16. Review status: criteria provided, single submitter. Criteria: ARUP Molecular Germline Variant Investigation Process 2024. Collection method: clinical testing. Allele origin: germline.

GeneDx
Classification: Benign. Last evaluated: 2015-03-27. Review status: criteria provided, single submitter. Criteria: GeneDx Variant Classification (06012015). Collection method: clinical testing. Allele origin: germline. Affected: yes.
Comment: This variant is considered likely benign or benign based on one or more of the following criteria: it is a conservative change, it occurs at a poorly conserved position in the protein, it is predicted to be benign by multiple in silico algorithms, and/or has population frequency not consistent with disease.

PreventionGenetics, part of Exact Sciences
Classification: Likely benign for TNFRSF1A-related condition. Last evaluated: 2019-11-13. Review status: no assertion criteria provided. Collection method: clinical testing. Allele origin: germline. Not counted in ClinVar's aggregate classification.
Comment: This variant is classified as likely benign based on ACMG/AMP sequence variant interpretation guidelines (Richards et al. 2015 PMID: 25741868, with internal and published modifications).